The following is an entry in ClinVar:

ClinVar aggregate classification (germline): Pathogenic. Review status: criteria provided, multiple submitters, no conflicts (2 of 4 stars). 4 submissions from 4 submitters: Pathogenic (4). Last evaluated 2025-03-23.

Conditions:
SLC29A3-related disorder. Also called: SLC29A3-related condition.
H syndrome. Also called: HISTIOCYTOSIS AND LYMPHADENOPATHY WITH OR WITHOUT CUTANEOUS, CARDIAC, AND/OR ENDOCRINE FEATURES, JOINT CONTRACTURES, AND/OR DEAFNESS; HYPERPIGMENTATION, CUTANEOUS, WITH HYPERTRICHOSIS, HEPATOSPLENOMEGALY, HEART ANOMALIES, AND HYPOGONADISM WITH OR WITHOUT HEARING LOSS; PIGMENTED HYPERTRICHOSIS WITH INSULIN-DEPENDENT DIABETES MELLITUS; ROSAI-DORFMAN DISEASE, FAMILIAL; SINUS HISTIOCYTOSIS AND MASSIVE LYMPHADENOPATHY; Hyperpigmentation, Cutaneous, with Hypertrichosis, Hepatosplenomegaly, Heart Anomalies, Hearing Loss, and Hypogonadism. Identifiers: Orphanet 168569, MedGen C1864445, MONDO:0011273, OMIM 602782.

gnomAD v4.1: 3 of 1,612,758 alleles (0.00019%); highest among the groups gnomAD compares: Non-Finnish European, 0.00017%; no homozygotes.

Submissions (4):

Labcorp Genetics (formerly Invitae), Labcorp
Classification: Pathogenic for H syndrome. Last evaluated: 2025-03-23. Review status: criteria provided, single submitter. Criteria: Invitae Variant Classification Sherloc (09022015). Collection method: clinical testing. Allele origin: germline.
Comment: This sequence change affects a donor splice site in intron 2 of the SLC29A3 gene. It is expected to disrupt RNA splicing. Variants that disrupt the donor or acceptor splice site typically lead to a loss of protein function (PMID: 16199547), and loss-of-function variants in SLC29A3 are known to be pathogenic (PMID: 19336477, 20595384, 23406517, 25963354). This variant is not present in population databases (gnomAD no frequency). Disruption of this splice site has been observed in individuals with clinical features of histiocytosis-lymphadenopathy plus syndrome (PMID: 20140240, 27215564). ClinVar contains an entry for this variant (Variation ID: 427021). Algorithms developed to predict the effect of sequence changes on RNA splicing suggest that this variant may disrupt the consensus splice site. For these reasons, this variant has been classified as Pathogenic.

Blueprint Genetics
Classification: Pathogenic for SLC29A3-related disorders. Last evaluated: 2024-09-09. Review status: criteria provided, single submitter. Criteria: ACMG Guidelines, 2015. Collection method: clinical testing. Allele origin: germline. Affected: yes. Observed: 2 variant alleles.

3billion
Classification: Pathogenic for H syndrome. Last evaluated: 2023-06-01. Review status: criteria provided, single submitter. Criteria: ACMG Guidelines, 2015. Collection method: clinical testing. Allele origin: germline. Affected: yes.
Comment: The variant is not observed in the gnomAD v2.1.1 dataset. Predicted Consequence/Location: Canonical splice site: predicted to alter splicing and result in a loss or disruption of normal protein function. Multiple pathogenic loss-of-function variants are reported downstream of the variant. The variant has been reported to be associated with SLC29A3 related disorder (ClinVar ID: VCV000427021 /PMID: 22989030). Therefore, this variant is classified as Pathogenic according to the recommendation of ACMG/AMP guideline.

GeneDx
Classification: Pathogenic. Last evaluated: 2015-08-22. Review status: criteria provided, single submitter. Criteria: GeneDx Variant Classification (06012015). Collection method: clinical testing. Allele origin: germline. Affected: yes.
Comment: This splice site variant destroys the canonical splice donor site in intron 2. It is predicted to cause abnormal gene splicing, either leading to an abnormal message that is subject to nonsense-mediated mRNA decay, or to an abnormal protein product if the message is used for protein translation. The c.300+1G>C substitution was not observed in approximately 6500 individuals of European and African American ancestry in the NHLBI Exome Sequencing Project, indicating it is not a common benign variant in these populations. We interpret c.300+1G>C as a pathogenic variant.

Literature cited by the submitters: PubMed 16199547 (cited by Labcorp Genetics (formerly Invitae), Labcorp); PubMed 19336477 (cited by Labcorp Genetics (formerly Invitae), Labcorp); PubMed 20595384 (cited by Labcorp Genetics (formerly Invitae), Labcorp); PubMed 23406517 (cited by Labcorp Genetics (formerly Invitae), Labcorp); PubMed 25963354 (cited by Labcorp Genetics (formerly Invitae), Labcorp); PubMed 20140240 (cited by Labcorp Genetics (formerly Invitae), Labcorp); PubMed 27215564 (cited by Labcorp Genetics (formerly Invitae), Labcorp); PubMed 22989030 (cited by 3billion).

NM_018344.6(SLC29A3):c.300+1G>C

Gene: SLC29A3 (solute carrier family 29 member 3; plus strand). Cytogenetic location: 10q22.1.
Variant type: single nucleotide variant.
Coding change: c.300+1G>C on transcript NM_018344.6 (MANE Select); the canonical splice donor site of the intron after coding-DNA position 300, G replaced by C.
Molecular consequence: splice donor variant.
Genome position (GRCh38, 1-based): chr10:71,323,055, G>C. VCF-style: chr10-71323055-G-C. GRCh37 (hg19) VCF-style: chr10-73082812-G-C.
Other names: c.66+1G>C (NM_001363518.2); c.300+1G>C (NM_001174098.2).
Identifiers: ClinVar variation 427021 (VCV000427021.5), dbSNP rs587780463, ClinGen allele CA377129501.